The following is an entry in ClinVar:

ClinVar aggregate classification (germline): Uncertain significance (1 of 4 stars; one submission).

Conditions:
PTPN4-related disorder. Also called: PTPN4-related condition; PTPN4-Related Disorders.

Submission:

PreventionGenetics, part of Exact Sciences
Classification: Uncertain significance for PTPN4-related condition. Last evaluated: 2022-10-03. Review status: criteria provided, single submitter. Criteria: ACMG Guidelines, 2015. Collection method: clinical testing. Allele origin: germline.
Comment: The PTPN4 c.2120C>G variant is predicted to result in the amino acid substitution p.Ala707Gly. To our knowledge, this variant has not been reported in the literature or in a large population database, indicating this variant is rare. At this time, the clinical significance of this variant is uncertain due to the absence of conclusive functional and genetic evidence.

NM_002830.4(PTPN4):c.2120C>G (p.Ala707Gly)

Gene: PTPN4 (protein tyrosine phosphatase non-receptor type 4; plus strand). Cytogenetic location: 2q14.2.
Variant type: single nucleotide variant.
Coding change: c.2120C>G on transcript NM_002830.4 (MANE Select); coding-DNA position 2120, C replaced by G.
Protein change: p.Ala707Gly; replaces alanine 707 with glycine.
Molecular consequence: missense variant.
Genome position (GRCh38, 1-based): chr2:119,957,064, C>G. VCF-style: chr2-119957064-C-G. GRCh37 (hg19) VCF-style: chr2-120714640-C-G.
Other names: short protein forms A707G.
Identifiers: ClinVar variation 2637046 (VCV002637046.1), dbSNP rs779332065, ClinGen allele CA348148640.
Genomic context (GRCh38, chr2:119,957,064, plus strand): 5'-AAATTTTTTTAGATGATGCCACACGGGTCATTTTAAAAGGTAATGAAGACTACATCAATG[C>G]GAACTATATAAATGTAAGTTTATTCTTATTATGCCTTTGCCATTTGGAAAAATACGAGCC-3'
Protein context (NP_002821.1, residues 697-717): ILKGNEDYIN[Ala707Gly]NYINMEIPSS